The following is an entry in ClinVar:

ClinVar aggregate classification (germline): Uncertain significance. Review status: criteria provided, multiple submitters, no conflicts (2 of 4 stars). 2 submissions from 2 submitters: Uncertain significance (2). Last evaluated 2022-11-21.

Conditions:
Cardiomyopathy (CMYO). Also called: Cardiomyopathies. Identifiers: Orphanet 167848, MedGen C0878544, MONDO:0004994, HP:0001638. Inheritance: Various modes of inheritance.
Hypertrophic cardiomyopathy 10. Also called: CARDIOMYOPATHY, HYPERTROPHIC, MID-LEFT VENTRICULAR CHAMBER TYPE, 2; MYL2-Related Familial Hypertrophic Cardiomyopathy. Identifiers: MedGen C1834460, MONDO:0012112, OMIM 608758.

Submissions (2):

Color Diagnostics, LLC DBA Color Health
Classification: Uncertain significance for Cardiomyopathy. Last evaluated: 2022-11-21. Review status: criteria provided, single submitter. Criteria: ACMG Guidelines, 2015. Collection method: clinical testing. Allele origin: germline.
Comment: This missense variant replaces serine with threonine at codon 131 of the MYL2 protein. Computational prediction suggests that this variant may not impact protein structure and function (internally defined REVEL score threshold <= 0.5, PMID: 27666373). To our knowledge, functional studies have not been reported for this variant. This variant has not been reported in individuals affected with MYL2-related disorders in the literature. This variant has not been identified in the general population by the Genome Aggregation Database (gnomAD). The available evidence is insufficient to determine the role of this variant in disease conclusively. Therefore, this variant is classified as a Variant of Uncertain Significance.

Labcorp Genetics (formerly Invitae), Labcorp
Classification: Uncertain significance for Hypertrophic cardiomyopathy 10. Last evaluated: 2022-05-22. Review status: criteria provided, single submitter. Criteria: Invitae Variant Classification Sherloc (09022015). Collection method: clinical testing. Allele origin: germline.
Comment: In summary, the available evidence is currently insufficient to determine the role of this variant in disease. Therefore, it has been classified as a Variant of Uncertain Significance. Algorithms developed to predict the effect of missense changes on protein structure and function (SIFT, PolyPhen-2, Align-GVGD) all suggest that this variant is likely to be tolerated. This variant has not been reported in the literature in individuals affected with MYL2-related conditions. This variant is not present in population databases (gnomAD no frequency). This sequence change replaces serine, which is neutral and polar, with threonine, which is neutral and polar, at codon 131 of the MYL2 protein (p.Ser131Thr).

NM_000432.4(MYL2):c.391T>A (p.Ser131Thr)

Gene: MYL2 (myosin light chain 2; minus strand). Cytogenetic location: 12q24.11.
Variant type: single nucleotide variant.
Coding change: c.391T>A on transcript NM_000432.4 (MANE Select); coding-DNA position 391, T replaced by A.
Protein change: p.Ser131Thr; replaces serine 131 with threonine.
Molecular consequence: missense variant.
Genome position (GRCh38, 1-based): chr12:110,913,107, A>T on the plus strand (T>A on the coding strand, the complement: MYL2 is on the minus strand). VCF-style: chr12-110913107-A-T. GRCh37 (hg19) VCF-style: chr12-111350911-A-T.
Other names: c.349T>A, p.Ser117Thr (NM_001406745.1, NM_001406746.1); c.334T>A, p.Ser112Thr (NM_001406916.1); short protein forms S131T, S112T, S117T.
Identifiers: ClinVar variation 1990843 (VCV001990843.6), dbSNP rs2071664458, ClinGen allele CA386697713.
Genomic context (GRCh38, chr12:110,913,107, plus strand): 5'-GGAGAACCCAGGAGCTGGGTTAGAGGGAGTGCTTGAAGGACCCCATTACCTCCTCCTTGG[A>T]AAACCTCTCCGCCTGCGTGGTCAGCATTTCCCGAACGCTGCAGAGAAAGGAAAGCAGGTG-3'
Protein context (NP_000423.2, residues 121-141): EMLTTQAERF[Ser131Thr]KEEVDQMFAA